The following is an entry in ClinVar:

ClinVar aggregate classification (germline): Uncertain significance (1 of 4 stars; one submission).

Submission:

Laboratory for Molecular Medicine, Mass General Brigham Personalized Medicine
Classification: Uncertain significance. Last evaluated: 2015-02-26. Review status: criteria provided, single submitter. Criteria: LMM Criteria. Collection method: clinical testing. Allele origin: germline. Observed: 1 variant allele.
Comment: The p.Arg116His variant in KCNQ1 has not been previously reported in individuals with hearing loss or in large population studies. Computational prediction tool s and conservation analyses do not provide strong support for or against an impa ct to the protein. In summary, the clinical significance of the p.Arg116His vari ant is uncertain.

NM_000218.3(KCNQ1):c.347G>A (p.Arg116His)

Gene: KCNQ1 (potassium voltage-gated channel subfamily Q member 1; plus strand). Cytogenetic location: 11p15.5.
Variant type: single nucleotide variant.
Coding change: c.347G>A on transcript NM_000218.3 (MANE Select); coding-DNA position 347, G replaced by A.
Protein change: p.Arg116His; replaces arginine 116 with histidine.
Molecular consequence: missense variant.
Genome position (GRCh38, 1-based): chr11:2,445,445, G>A. VCF-style: chr11-2445445-G-A. GRCh37 (hg19) VCF-style: chr11-2466675-G-A.
Other names: short protein forms R116H.
Identifiers: ClinVar variation 178873 (VCV000178873.4), dbSNP rs727504506, ClinGen allele CA006846.
Genomic context (GRCh38, chr11:2,445,445, plus strand): 5'-CGCGCCGCCCGGTGTTGGCGCGCACCCACGTCCAGGGCCGCGTCTACAACTTCCTCGAGC[G>A]TCCCACCGGCTGGAAATGCTTCGTTTACCACTTCGCCGTGTGAGTATCGCCACCGGCGAC-3'
Protein context (NP_000209.2, residues 106-126): VQGRVYNFLE[Arg116His]PTGWKCFVYH